The following is an entry in ClinVar:

NM_014739.3(BCLAF1):c.1707G>C (p.Arg569Ser)

Gene: BCLAF1 (BCL2 associated transcription factor 1; minus strand). Cytogenetic location: 6q23.3.
Variant type: single nucleotide variant.
Coding change: c.1707G>C on transcript NM_014739.3 (MANE Select); coding-DNA position 1707, G replaced by C.
Protein change: p.Arg569Ser; replaces arginine 569 with serine.
Molecular consequence: missense variant. On other transcripts: non-coding transcript variant (7), intron variant (1).
Genome position (GRCh38, 1-based): chr6:136,275,677, C>G on the plus strand (G>C on the coding strand, the complement: BCLAF1 is on the minus strand). VCF-style: chr6-136275677-C-G. GRCh37 (hg19) VCF-style: chr6-136596815-C-G.
Other names: c.1701G>C, p.Arg567Ser (NM_001077440.3, NM_001301038.3); c.1188G>C, p.Arg396Ser (NM_001077441.3, NM_001386695.1, NM_001386697.1 and 2 more transcripts); c.1707G>C, p.Arg569Ser (NM_001363659.3, NM_001386693.1, NM_001386694.1 and 2 more transcripts); c.1182G>C, p.Arg394Ser (NM_001386696.1, NM_001386698.1, NM_001386703.1); c.1016+2188G>C (NM_001386699.1); short protein forms R567S, R396S, R394S, R569S.
Identifiers: ClinVar variation 1778484 (VCV001778484.2), dbSNP rs773700377, ClinGen allele CA4014581.

ClinVar aggregate classification (germline): Uncertain significance (1 of 4 stars; one submission).

Allele frequency attached by ClinVar (database versions not stated): ExAC 0.00001.

Submission:

Ambry Genetics
Classification: Uncertain significance. Last evaluated: 2021-12-30. Review status: criteria provided, single submitter. Criteria: Ambry Variant Classification Scheme 2023. Collection method: clinical testing. Allele origin: germline.
Comment: The p.R569S variant (also known as c.1707G>C), located in coding exon 4 of the BCLAF1 gene, results from a G to C substitution at nucleotide position 1707. The arginine at codon 569 is replaced by serine, an amino acid with dissimilar properties. This amino acid position is conserved. In addition, the in silico prediction for this alteration is inconclusive. Since supporting evidence is limited at this time, the clinical significance of this alteration remains unclear.